The following is an entry in ClinVar:

ClinVar aggregate classification (germline): Pathogenic. Review status: criteria provided, single submitter (1 of 4 stars). 2 submissions from 2 submitters: Pathogenic (1). 1 of the submissions does not count toward it. Last evaluated 2024-06-07.

Conditions:
Mucopolysaccharidosis, MPS-II (MPS2). Also called: IDS deficiency; Sulfoiduronate sulfatase deficiency; SIDS deficiency; Mucopolysaccharidosis type 2; Mucopolysaccharidosis Type II; Attenuated MPS (subtype; formerly known as mild MPS II). Identifiers: Orphanet 580, Orphanet 79388, MedGen C0026705, MONDO:0010674, OMIM 309900.

Submissions (2):

Laboratory of Diagnosis and Therapy of Lysosomal Disorders, University of Padova
Classification: Pathogenic for Mucopolysaccharidosis, MPS-II. Last evaluated: 2024-06-07. Review status: criteria provided, single submitter. Criteria: ACMG Guidelines, 2015. Collection method: literature only. Allele origin: germline. Affected: yes. Observed: 1 variant allele.
Comment: Null variant (PVS1_Strong), Absent from controls (or at low frequency) in gnomAD database (PM2_Moderate), Patient’s phenotype or family history highly specific for the disease (PP4_Strong)

Classification method: ACMG Guidelines [PMID:25741868] with modifications

Laboratory of Inherited Metabolic Diseases, Research centre for medical genetics
Classification: Pathogenic for Mucopolysaccharidosis, type II; MPS2. Review status: no assertion criteria provided. Collection method: research. Allele origin: germline. Affected: yes. Not counted in ClinVar's aggregate classification.

Literature cited by the submitters: PubMed 33676511 (cited by Laboratory of Diagnosis and Therapy of Lysosomal Disorders, University of Padova).

NM_000202.8(IDS):c.1431del (p.Asp478fs)

Gene: IDS (iduronate 2-sulfatase; minus strand). Cytogenetic location: Xq28.
Variant type: Deletion.
Coding change: c.1431del on transcript NM_000202.8 (MANE Select); coding-DNA position 1431, one base deleted (T; older notation c.1431delT).
Protein change: p.Asp478fs; shifts the reading frame from aspartic acid 478.
Molecular consequence: frameshift variant.
Genome position (GRCh38, 1-based): chrX:149,482,968, A deleted on the plus strand (T on the coding strand, the reverse complement: IDS is on the minus strand). VCF-style (leftmost placement, unchanged base first): chrX-149482967-CA-C. GRCh37 (hg19) VCF-style: chrX-148564498-CA-C.
Other names: c.1161del, p.Asp388fs (NM_001166550.4); short protein forms D388fs, D478fs.
Identifiers: ClinVar variation 988701 (VCV000988701.3), dbSNP rs2089305275, ClinGen allele CA2465003996.